The following is an entry in ClinVar:

NM_005428.4(VAV1):c.676C>T (p.Arg226Trp)

Gene: VAV1 (vav guanine nucleotide exchange factor 1; plus strand). Cytogenetic location: 19p13.3.
Variant type: single nucleotide variant.
Coding change: c.676C>T on transcript NM_005428.4 (MANE Select); coding-DNA position 676, C replaced by T.
Protein change: p.Arg226Trp; replaces arginine 226 with tryptophan.
Molecular consequence: missense variant.
Genome position (GRCh38, 1-based): chr19:6,825,074, C>T. VCF-style: chr19-6825074-C-T. GRCh37 (hg19) VCF-style: chr19-6825085-C-T.
Other names: c.676C>T, p.Arg226Trp (NM_001258206.2); c.580C>T, p.Arg194Trp (NM_001258207.2); short protein forms R226W, R194W.
Identifiers: ClinVar variation 2957374 (VCV002957374.3), dbSNP rs774426463, ClinGen allele CA9132305.

ClinVar aggregate classification (germline): Uncertain significance (1 of 4 stars; one submission).

Allele frequency attached by ClinVar (database versions not stated): gnomAD exomes 0.00001; TOPMed 0.00001; gnomAD 0.00002; ExAC 0.00002.

Submission:

Labcorp Genetics (formerly Invitae), Labcorp
Classification: Uncertain significance. Last evaluated: 2026-01-26. Review status: criteria provided, single submitter. Criteria: Invitae Variant Classification Sherloc (09022015). Collection method: clinical testing. Allele origin: germline.
Comment: This sequence change replaces arginine, which is basic and polar, with tryptophan, which is neutral and slightly polar, at codon 226 of the VAV1 protein (p.Arg226Trp). This variant is present in population databases (rs774426463, gnomAD 0.01%). This variant has not been reported in the literature in individuals affected with VAV1-related conditions. ClinVar contains an entry for this variant (Variation ID: 2957374). An algorithm developed to predict the effect of missense changes on protein structure and function (PolyPhen-2) suggests that this variant is likely to be disruptive. In summary, the available evidence is currently insufficient to determine the role of this variant in disease. Therefore, it has been classified as a Variant of Uncertain Significance.